The following is an entry in ClinVar:

NM_001199267.2(DGKZ):c.162-314C>G

Gene: DGKZ (diacylglycerol kinase zeta; plus strand). Cytogenetic location: 11p11.2.
Variant type: single nucleotide variant.
Coding change: c.162-314C>G on transcript NM_001199267.2 (MANE Select); 314 bases into the intron before coding-DNA position 162, C replaced by G.
Molecular consequence: intron variant. On other transcripts: missense variant (1).
Genome position (GRCh38, 1-based): chr11:46,366,977, C>G. VCF-style: chr11-46366977-C-G. GRCh37 (hg19) VCF-style: chr11-46388527-C-G.
Other names: c.721C>G, p.Leu241Val (NM_001105540.2); c.213-314C>G (NM_201532.3); c.177-314C>G (NM_201533.3); c.162-314C>G (NM_001199266.2, NM_003646.4, NM_001199268.2); short protein forms L241V.
Identifiers: ClinVar variation 1950199 (VCV001950199.5), dbSNP rs774226767, ClinGen allele CA5962211.

ClinVar aggregate classification (germline): Uncertain significance (1 of 4 stars; one submission).

Allele frequency attached by ClinVar (database versions not stated): ExAC 0.00014.
gnomAD v4.1: 29 of 1,529,060 alleles (0.0019%); highest among the groups gnomAD compares: Non-Finnish European, 0.0025%; no homozygotes.

Submission:

Labcorp Genetics (formerly Invitae), Labcorp
Classification: Uncertain significance. Last evaluated: 2023-01-10. Review status: criteria provided, single submitter. Criteria: Invitae Variant Classification Sherloc (09022015). Collection method: clinical testing. Allele origin: germline.
Comment: This sequence change replaces leucine, which is neutral and non-polar, with valine, which is neutral and non-polar, at codon 241 of the DGKZ protein (p.Leu241Val). This variant is present in population databases (rs774226767, gnomAD 0.002%). This variant has not been reported in the literature in individuals affected with DGKZ-related conditions. Algorithms developed to predict the effect of missense changes on protein structure and function (SIFT, PolyPhen-2, Align-GVGD) all suggest that this variant is likely to be tolerated. In summary, the available evidence is currently insufficient to determine the role of this variant in disease. Therefore, it has been classified as a Variant of Uncertain Significance.